The following is an entry in ClinVar:

NM_001378477.3(NYX):c.1071del (p.Cys357fs)

Gene: NYX (nyctalopin; plus strand). Cytogenetic location: Xp11.4.
Variant type: Deletion.
Coding change: c.1071del on transcript NM_001378477.3 (MANE Select); coding-DNA position 1071, one base deleted (C; older notation c.1071delC).
Protein change: p.Cys357fs; shifts the reading frame from cysteine 357.
Molecular consequence: frameshift variant.
Genome position (GRCh38, 1-based): chrX:41,474,539, C deleted. VCF-style (leftmost placement, unchanged base first): chrX-41474538-GC-G. GRCh37 (hg19) VCF-style: chrX-41333791-GC-G.
Other names: c.1071del, p.Cys357fs (NM_022567.3); short protein forms C357fs.
Identifiers: ClinVar variation 3656981 (VCV003656981.2).
Genomic context (GRCh38, chrX:41,474,538, plus strand): 5'-GCCGTCTGGAGTGGCTGAGGGACTGGATGGAGGGCTCCGGACGTGTCACCGACGTGCCGT[GC>G]GCCTCCCCGGGCTCCGTGGCCGGCCTGGACCTCAGCCAGGTGACCTTCGGGCGCTCCTCC-3'

ClinVar aggregate classification (germline): Pathogenic (1 of 4 stars; one submission).

Submission:

Labcorp Genetics (formerly Invitae), Labcorp
Classification: Pathogenic. Last evaluated: 2024-06-19. Review status: criteria provided, single submitter. Criteria: Invitae Variant Classification Sherloc (09022015). Collection method: clinical testing. Allele origin: germline.
Comment: This sequence change creates a premature translational stop signal (p.Cys362Trpfs*15) in the NYX gene. While this is not anticipated to result in nonsense mediated decay, it is expected to disrupt the last 120 amino acid(s) of the NYX protein. This variant is not present in population databases (gnomAD no frequency). This premature translational stop signal has been observed in individual(s) with inherited retinal disease (PMID: 31429209). This variant disrupts a region of the NYX protein in which other variant(s) (p.Cys362*) have been determined to be pathogenic (Invitae). This suggests that this is a clinically significant region of the protein, and that variants that disrupt it are likely to be disease-causing. For these reasons, this variant has been classified as Pathogenic.

Literature cited by the submitters: PubMed 31429209.